The following is an entry in ClinVar:

NM_001844.5(COL2A1):c.2169C>T (p.Gly723=)

Gene: COL2A1 (collagen type II alpha 1 chain; minus strand). Cytogenetic location: 12q13.11.
Variant type: single nucleotide variant.
Coding change: c.2169C>T on transcript NM_001844.5 (MANE Select); coding-DNA position 2169, C replaced by T.
Protein change: p.Gly723=; no amino-acid change (glycine 723 retained).
Molecular consequence: synonymous variant.
Genome position (GRCh38, 1-based): chr12:47,982,872, G>A on the plus strand (C>T on the coding strand, the complement: COL2A1 is on the minus strand). VCF-style: chr12-47982872-G-A. GRCh37 (hg19) VCF-style: chr12-48376655-G-A.
Other names: c.1962C>T, p.Gly654= (NM_033150.3); c.2169C>T (NM_001844.4).
Identifiers: ClinVar variation 2159763 (VCV002159763.5), dbSNP rs74682722, ClinGen allele CA6535208.

ClinVar aggregate classification (germline): Likely benign. Review status: criteria provided, single submitter (1 of 4 stars). 2 submissions from 2 submitters: Likely benign (1). 1 of the submissions does not count toward it. Last evaluated 2023-07-03.

Conditions:
COL2A1-related disorder. Also called: COL2A1-related condition; COL2A1-related disorders.

Allele frequency attached by ClinVar (database versions not stated): gnomAD 0.00001; gnomAD exomes 0.00001; TOPMed 0.00001; ExAC 0.00004; 1000 Genomes Project 30x 0.00016; 1000 Genomes Project 0.00020.
gnomAD v4.1: 19 of 1,612,348 alleles (0.0012%); highest among the groups gnomAD compares: Non-Finnish European, 0.0014%; no homozygotes.

Submissions (2):

Labcorp Genetics (formerly Invitae), Labcorp
Classification: Likely benign. Last evaluated: 2023-07-03. Review status: criteria provided, single submitter. Criteria: Invitae Variant Classification Sherloc (09022015). Collection method: clinical testing. Allele origin: germline.

PreventionGenetics, part of Exact Sciences
Classification: Likely benign for COL2A1-related condition. Last evaluated: 2024-05-02. Review status: no assertion criteria provided. Collection method: clinical testing. Allele origin: germline. Not counted in ClinVar's aggregate classification.
Comment: This variant is classified as likely benign based on ACMG/AMP sequence variant interpretation guidelines (Richards et al. 2015 PMID: 25741868, with internal and published modifications).